The following is an entry in ClinVar:

ClinVar aggregate classification (germline): Uncertain significance (1 of 4 stars; one submission).

Submission:

GeneDx
Classification: Uncertain significance. Last evaluated: 2025-03-17. Review status: criteria provided, single submitter. Criteria: GeneDx Variant Classification Process June 2021. Collection method: clinical testing. Allele origin: germline. Affected: yes.
Comment: Not observed at significant frequency in large population cohorts (gnomAD); Nonsense variant predicted to result in protein truncation as the last 231 amino acid(s) are lost; Has not been previously published as pathogenic or benign to our knowledge

NM_001069.3(TUBB2A):c.643del (p.Thr214_Leu215insTer)

Gene: TUBB2A (tubulin beta 2A class IIa; minus strand). Cytogenetic location: 6p25.2.
Variant type: Deletion.
Coding change: c.643del on transcript NM_001069.3 (MANE Select); coding-DNA position 643, one base deleted (C; older notation c.643delC).
Protein change: p.Thr214_Leu215insTer.
Molecular consequence: nonsense.
Genome position (GRCh38, 1-based): chr6:3,154,558, G deleted on the plus strand (C on the coding strand, the reverse complement: TUBB2A is on the minus strand); the first of 3 consecutive G bases (chr6:3,154,558-3,154,560); deleting any one gives the same sequence. VCF-style (leftmost placement, unchanged base first): chr6-3154557-AG-A. GRCh37 (hg19) VCF-style: chr6-3154791-AG-A.
Other names: c.388del, p.Thr129_Leu130insTer (NM_001310315.2).
Identifiers: ClinVar variation 4086575 (VCV004086575.1).